The following is an entry in ClinVar:

NM_000069.3(CACNA1S):c.4443T>C (p.Gly1481=)

Gene: CACNA1S (calcium voltage-gated channel subunit alpha1 S; minus strand). Cytogenetic location: 1q32.1.
Variant type: single nucleotide variant.
Coding change: c.4443T>C on transcript NM_000069.3 (MANE Select); coding-DNA position 4443, T replaced by C.
Protein change: p.Gly1481=; no amino-acid change (glycine 1481 retained).
Molecular consequence: synonymous variant.
Genome position (GRCh38, 1-based): chr1:201,047,625, A>G on the plus strand (T>C on the coding strand, the complement: CACNA1S is on the minus strand). VCF-style: chr1-201047625-A-G. GRCh37 (hg19) VCF-style: chr1-201016753-A-G.
Identifiers: ClinVar variation 2639743 (VCV002639743.24), dbSNP rs931403274, ClinGen allele CA35996675.

ClinVar aggregate classification (germline): Likely benign (1 of 4 stars; one submission).

Allele frequency attached by ClinVar (database versions not stated): gnomAD exomes below 0.00001; TOPMed 0.00001.
gnomAD v4.1: 1 of 1,613,454 alleles (0.000062%); highest among the groups gnomAD compares: Non-Finnish European, 0.000085%; no homozygotes.

Submission:

CeGaT Center for Human Genetics Tuebingen
Classification: Likely benign. Last evaluated: 2023-04-01. Review status: criteria provided, single submitter. Criteria: CeGaT Center For Human Genetics Tuebingen Variant Classification Criteria Version 2. Collection method: clinical testing. Allele origin: germline. Affected: yes. Observed: 1 variant allele.
Comment: CACNA1S: PM2:Supporting, BP4, BP7